The following is an entry in ClinVar:

NM_014141.6(CNTNAP2):c.1658C>T (p.Ala553Val)

Gene: CNTNAP2 (contactin associated protein 2; plus strand). Cytogenetic location: 7q35.
Variant type: single nucleotide variant.
Coding change: c.1658C>T on transcript NM_014141.6 (MANE Select); coding-DNA position 1658, C replaced by T.
Protein change: p.Ala553Val; replaces alanine 553 with valine.
Molecular consequence: missense variant.
Genome position (GRCh38, 1-based): chr7:147,395,768, C>T. VCF-style: chr7-147395768-C-T. GRCh37 (hg19) VCF-style: chr7-147092860-C-T.
Other names: short protein forms A553V.
Identifiers: ClinVar variation 3694842 (VCV003694842.1).
Genomic context (GRCh38, chr7:147,395,768, plus strand): 5'-TATACGAAGTGGCACAAAGGAAGCCGGGAAGTTTCGCGAATGTCAGCATTGACATGTGTG[C>T]GATCATAGACAGGTAAATGATCTTTTCATCCTACCTCACGTTGTCCAAACTTTCCAAACC-3'
Protein context (NP_054860.1, residues 543-563): SFANVSIDMC[Ala553Val]IIDRCVPNHC

ClinVar aggregate classification (germline): Uncertain significance (1 of 4 stars; one submission).

Conditions:
Cortical dysplasia-focal epilepsy syndrome (PTHSL1). Also called: Pitt-Hopkins-like syndrome 1. Identifiers: Orphanet 163681, Orphanet 221150, MedGen C2750246, MONDO:0012400, OMIM 610042.

gnomAD v4.1: 11 of 1,612,006 alleles (0.00068%); highest among the groups gnomAD compares: South Asian, 0.0022%; no homozygotes.

Submission:

Labcorp Genetics (formerly Invitae), Labcorp
Classification: Uncertain significance for Cortical dysplasia-focal epilepsy syndrome. Last evaluated: 2024-12-15. Review status: criteria provided, single submitter. Criteria: Invitae Variant Classification Sherloc (09022015). Collection method: clinical testing. Allele origin: germline.
Comment: This sequence change replaces alanine, which is neutral and non-polar, with valine, which is neutral and non-polar, at codon 553 of the CNTNAP2 protein (p.Ala553Val). This variant is present in population databases (rs767828458, gnomAD 0.004%). This variant has not been reported in the literature in individuals affected with CNTNAP2-related conditions. An algorithm developed to predict the effect of missense changes on protein structure and function (PolyPhen-2) suggests that this variant¬†is likely to be tolerated. In summary, the available evidence is currently insufficient to determine the role of this variant in disease. Therefore, it has been classified as a Variant of Uncertain Significance.